The following is an entry in ClinVar:

NM_001122630.2(CDKN1C):c.546del (p.Pro183fs)

Gene: CDKN1C (cyclin dependent kinase inhibitor 1C; minus strand). Cytogenetic location: 11p15.4.
Variant type: Deletion.
Coding change: c.546del on transcript NM_001122630.2 (MANE Select); coding-DNA position 546, one base deleted (T; older notation c.546delT).
Protein change: p.Pro183fs; shifts the reading frame from proline 183.
Molecular consequence: frameshift variant. On other transcripts: intron variant (1).
Genome position (GRCh38, 1-based): chr11:2,884,911, A deleted on the plus strand (T on the coding strand, the reverse complement: CDKN1C is on the minus strand). VCF-style (leftmost placement, unchanged base first): chr11-2884910-GA-G. GRCh37 (hg19) VCF-style: chr11-2906140-GA-G.
Other names: c.579del, p.Pro194fs (NM_000076.2, NM_001362474.2); c.546del, p.Pro183fs (NM_001122631.2); c.255+291del (NM_001362475.2); short protein forms P183fs, P194fs.
Identifiers: ClinVar variation 857422 (VCV000857422.9), dbSNP rs1848940003, ClinGen allele CA916081625.
Genomic context (GRCh38, chr11:2,884,910, plus strand): 5'-GGGCCGGGGCGGGGGCCGGGGCCGGGGCCGGGGCCGGGGCTGGGGCCGGGGCCGCGACTG[GA>G]GCCGGGGCCGGAGCCGGAGCCGGAGCCGGGGCCGGGGCCGGGGCCAGGACCGCGACCGCG-3'

ClinVar aggregate classification (germline): Pathogenic (1 of 4 stars; one submission).

Conditions:
Beckwith-Wiedemann syndrome (BWS). Also called: EMG SYNDROME; Exomphalos macroglossia gigantism syndrome. Identifiers: Orphanet 116, MedGen C0004903, MONDO:0007534, OMIM 130650.

Allele frequency attached by ClinVar (database versions not stated): gnomAD 0.00001.

Submission:

Labcorp Genetics (formerly Invitae), Labcorp
Classification: Pathogenic for Beckwith-Wiedemann syndrome. Last evaluated: 2022-07-29. Review status: criteria provided, single submitter. Criteria: Invitae Variant Classification Sherloc (09022015). Collection method: clinical testing. Allele origin: germline.
Comment: This premature translational stop signal has been observed in individual(s) with Beckwith-Wiedemann syndrome (PMID: 23197429). For these reasons, this variant has been classified as Pathogenic. ClinVar contains an entry for this variant (Variation ID: 857422). The frequency data for this variant in the population databases is considered unreliable, as metrics indicate insufficient coverage at this position in the gnomAD database. This sequence change creates a premature translational stop signal (p.Pro194Glnfs*78) in the CDKN1C gene. It is expected to result in an absent or disrupted protein product. Loss-of-function variants in CDKN1C are known to be pathogenic (PMID: 20503313).

Literature cited by the submitters: PubMed 23197429; PubMed 20503313.